The following is an entry in ClinVar:

NM_000458.4(HNF1B):c.668G>T (p.Cys223Phe)

Genes: HNF1B (HNF1 homeobox B; minus strand), LOC126862549 (BRD4-independent group 4 enhancer GRCh37_chr17:36093401-36094600; plus strand). Cytogenetic location: 17q12.
Variant type: single nucleotide variant.
Coding change: c.668G>T on transcript NM_000458.4 (MANE Select); coding-DNA position 668, G replaced by T.
Protein change: p.Cys223Phe; replaces cysteine 223 with phenylalanine.
Molecular consequence: missense variant.
Genome position (GRCh38, 1-based): chr17:37,733,698, C>A on the plus strand (G>T on the coding strand, the complement: HNF1B is on the minus strand). VCF-style: chr17-37733698-C-A. GRCh37 (hg19) VCF-style: chr17-36093691-C-A.
Other names: c.590G>T, p.Cys197Phe (NM_001165923.4, NM_001304286.2); c.668G>T, p.Cys223Phe (NM_001411100.1); short protein forms C197F, C223F.
Identifiers: ClinVar variation 3066168 (VCV003066168.1), dbSNP rs2033754353, ClinGen allele CA398748907.

ClinVar aggregate classification (germline): Uncertain significance (1 of 4 stars; one submission).

Conditions:
Renal cysts and diabetes syndrome (RCAD). Also called: Familial hypoplastic, glomerulocystic kidney; MATURITY-ONSET DIABETES OF THE YOUNG, TYPE 5. Identifiers: Orphanet 93111, MedGen C0431693, MONDO:0007669, OMIM 137920.

Allele frequency attached by ClinVar (database versions not stated): TOPMed below 0.00001.
gnomAD v4.1: 1 of 1,614,166 alleles (0.000062%); highest among the groups gnomAD compares: Non-Finnish European, 0.000085%; no homozygotes.

Submission:

MVZ Medizinische Genetik Mainz
Classification: Uncertain significance for Renal cysts and diabetes syndrome. Last evaluated: 2023-06-14. Review status: criteria provided, single submitter. Criteria: UK Practice Guidelines For Variant Classification V4 01 2020. Collection method: clinical testing. Allele origin: germline. Inheritance: Autosomal dominant inheritance. Affected: yes. Observed: 1 variant allele.
Comment: ACMG Criteria: PM2_SUP